The following is an entry in ClinVar:

ClinVar aggregate classification (germline): Uncertain significance. Review status: criteria provided, multiple submitters, no conflicts (2 of 4 stars). 2 submissions from 2 submitters: Uncertain significance (2). Last evaluated 2023-12-27.

Conditions:
Inborn genetic diseases. Identifiers: MedGen C0950123, MeSH D030342.
Limb-girdle muscular dystrophy due to POMK deficiency. Also called: Muscular dystrophy-dystroglycanopathy (limb-girdle), type c, 12; MUSCULAR DYSTROPHY-DYSTROGLYCANOPATHY, LIMB-GIRDLE, POMK-RELATED. Identifiers: Orphanet 445110, MedGen C4015184, MONDO:0014489, OMIM 616094.
Muscular dystrophy-dystroglycanopathy (congenital with brain and eye anomalies), type a, 12 (MDDGA12). Also called: WALKER-WARBURG SYNDROME OR MUSCLE-EYE-BRAIN DISEASE, POMK-RELATED. Identifiers: Orphanet 899, MedGen C3808964, MONDO:0014101, OMIM 615249.

Allele frequency attached by ClinVar (database versions not stated): gnomAD exomes below 0.00001.

Submissions (2):

Ambry Genetics
Classification: Uncertain significance for Inborn genetic diseases. Last evaluated: 2023-12-27. Review status: criteria provided, single submitter. Criteria: Ambry Variant Classification Scheme 2023. Collection method: clinical testing. Allele origin: germline.

Labcorp Genetics (formerly Invitae), Labcorp
Classification: Uncertain significance for Muscular dystrophy-dystroglycanopathy (congenital with brain and eye anomalies), type a, 12; Limb-girdle muscular dystrophy due to POMK deficiency. Last evaluated: 2020-03-06. Review status: criteria provided, single submitter. Criteria: Invitae Variant Classification Sherloc (09022015). Collection method: clinical testing. Allele origin: germline.
Comment: This sequence change replaces methionine with threonine at codon 27 of the POMK protein (p.Met27Thr). The methionine residue is moderately conserved and there is a moderate physicochemical difference between methionine and threonine. This variant is not present in population databases (ExAC no frequency). In summary, the available evidence is currently insufficient to determine the role of this variant in disease. Therefore, it has been classified as a Variant of Uncertain Significance. Algorithms developed to predict the effect of missense changes on protein structure and function are either unavailable or do not agree on the potential impact of this missense change (SIFT: "Tolerated"; PolyPhen-2: "Benign"; Align-GVGD: "Class C0"). This variant has not been reported in the literature in individuals with POMK-related conditions.

NM_032237.5(POMK):c.80T>C (p.Met27Thr)

Gene: POMK (protein O-mannose kinase; plus strand). Cytogenetic location: 8p11.21.
Variant type: single nucleotide variant.
Coding change: c.80T>C on transcript NM_032237.5 (MANE Select); coding-DNA position 80, T replaced by C.
Protein change: p.Met27Thr; replaces methionine 27 with threonine.
Molecular consequence: missense variant.
Genome position (GRCh38, 1-based): chr8:43,103,628, T>C. VCF-style: chr8-43103628-T-C. GRCh37 (hg19) VCF-style: chr8-42958771-T-C.
Other names: c.80T>C (NM_032237.3); c.80T>C, p.Met27Thr (NM_001277971.2); short protein forms M27T.
Identifiers: ClinVar variation 1064158 (VCV001064158.6), dbSNP rs2130601203, ClinGen allele CA371116705.